The following is an entry in ClinVar:

ClinVar aggregate classification (germline): Likely pathogenic (1 of 4 stars; one submission).

Conditions:
Global developmental delay, absent or hypoplastic corpus callosum, and dysmorphic facies (GDACCF). Identifiers: MedGen C4310644, MONDO:0014994, OMIM 617260.

Submission:

Molecular Genetics Department, Kulakov National Medical Research Center for Obstetrics, Gynecology and Perinatology
Classification: Likely pathogenic for Global developmental delay, absent or hypoplastic corpus callosum, and dysmorphic facies. Review status: criteria provided, single submitter. Criteria: ACMG Guidelines, 2015. Collection method: clinical testing. Allele origin: germline. Affected: yes. Observed: 1 variant allele.
Comment: A previously undescribed heterozygous nucleotide variant creates a frameshift p.Ile517TyrfsTer2 in the ZNF148 gene. Heterozygous variants are reported in patients with global developmental delay, absent or hypoplastic corpus callosum, and dysmorphic facies, 617260. The variant is not present in population database (gnomAD no frequency). In summary, the currently available evidence indicates that the variant is pathogenic, but additional data are needed to prove that conclusively. Therefore, this variant has been classified as likely pathogenic.

NM_021964.3(ZNF148):c.1548del (p.Ile517fs)

Gene: ZNF148 (zinc finger protein 148; minus strand). Cytogenetic location: 3q21.2.
Variant type: Deletion.
Coding change: c.1548del on transcript NM_021964.3 (MANE Select); coding-DNA position 1548, one base deleted (C; older notation c.1548delC).
Protein change: p.Ile517fs; shifts the reading frame from isoleucine 517.
Molecular consequence: frameshift variant.
Genome position (GRCh38, 1-based): chr3:125,233,178, G deleted on the plus strand (C on the coding strand, the reverse complement: ZNF148 is on the minus strand); the first of 2 consecutive G bases (chr3:125,233,178-125,233,179); deleting either gives the same sequence. VCF-style (leftmost placement, unchanged base first): chr3-125233177-TG-T. GRCh37 (hg19) VCF-style: chr3-124952021-TG-T.
Other names: c.1548del, p.Ile517fs (NM_001348424.1, NM_001348425.2, NM_001348426.2 and 7 more transcripts); c.1422del, p.Ile475fs (NM_001348434.2); short protein forms I475fs, I517fs.
Identifiers: ClinVar variation 4294457 (VCV004294457.1).